The following is an entry in ClinVar:

ClinVar aggregate classification (germline): Pathogenic. Review status: criteria provided, single submitter (1 of 4 stars). 2 submissions from 2 submitters: Pathogenic (1). 1 of the submissions does not count toward it. Last evaluated 2016-03-22.

Conditions:
Noonan syndrome 6 (NS6). Also called: NRAS-Related Noonan Syndrome. Identifiers: Orphanet 648, MedGen C2750732, MONDO:0013186, OMIM 613224.

Submissions (2):

GeneDx
Classification: Pathogenic. Last evaluated: 2016-03-22. Review status: criteria provided, single submitter. Criteria: GeneDx Variant Classification (06012015). Collection method: clinical testing. Allele origin: germline. Affected: yes.
Comment: The Q61P variant in the NRAS gene has not been reported previously as a pathogenic variant, nor as a benign variant, to our knowledge. The Q61P variant was not observed in approximately 6500 individuals of European and African American ancestry in the NHLBI Exome Sequencing Project, indicating it is not a common benign variant in these populations. The Q61P variant is a non-conservative amino acid substitution, which is likely to impact secondary protein structure as these residues differ in polarity, charge, size and/or other properties. This substitution occurs at a position in codon 61 of the guanosine triphosphate-binding site that is conserved across species. The guanosine trisphophate-binding site is crucial for normal inactivation, and variants located at this site lead to constitutive activation of NRAS (Kinsler et al., 2013). Two missense variants in the same residue (Q61R, Q61K) have been reported previously as somatic alterations in association with congenital melanocytic nevi and thyroid follicular carcinomas and adenomas, supporting the functional importance of this region of the protein (Nikiforova et al., 2003; Dessars et al., 2009; Kinsler et al., 2013; Lim et al., 2014). We interpret Q61P as a pathogenic variant.

Institute Of Reproduction And Development, Obstetrics and Gynecology Hospital, Fudan University
Classification: Likely pathogenic for Noonan syndrome 6. Last evaluated: 2021-09-30. Review status: no assertion criteria provided. Collection method: research. Allele origin: germline. Affected: yes. Not counted in ClinVar's aggregate classification.

NM_002524.5(NRAS):c.182A>C (p.Gln61Pro)

Gene: NRAS (NRAS proto-oncogene, GTPase; minus strand). Cytogenetic location: 1p13.2.
Variant type: single nucleotide variant.
Coding change: c.182A>C on transcript NM_002524.5 (MANE Select); coding-DNA position 182, A replaced by C.
Protein change: p.Gln61Pro; replaces glutamine 61 with proline.
Molecular consequence: missense variant.
Genome position (GRCh38, 1-based): chr1:114,713,908, T>G on the plus strand (A>C on the coding strand, the complement: NRAS is on the minus strand). VCF-style: chr1-114713908-T-G. GRCh37 (hg19) VCF-style: chr1-115256529-T-G.
Other names: c.182A>C (LRG_92t1); short protein forms Q61P.
Identifiers: ClinVar variation 280409 (VCV000280409.3), dbSNP rs11554290, ClinGen allele CA10602732.